The following is an entry in ClinVar:

NM_000093.5(COL5A1):c.2544C>A (p.Arg848=)

Gene: COL5A1 (collagen type V alpha 1 chain; plus strand). Cytogenetic location: 9q34.3.
Variant type: single nucleotide variant.
Coding change: c.2544C>A on transcript NM_000093.5 (MANE Select); coding-DNA position 2544, C replaced by A.
Protein change: p.Arg848=; no amino-acid change (arginine 848 retained).
Molecular consequence: synonymous variant.
Genome position (GRCh38, 1-based): chr9:134,785,048, C>A. VCF-style: chr9-134785048-C-A. GRCh37 (hg19) VCF-style: chr9-137676894-C-A.
Other names: c.2544C>A, p.Arg848= (NM_001278074.1).
Identifiers: ClinVar variation 377722 (VCV000377722.18), dbSNP rs201556585, ClinGen allele CA5319447.

ClinVar aggregate classification (germline): Likely benign. Review status: criteria provided, multiple submitters, no conflicts (2 of 4 stars). 4 submissions from 4 submitters: Likely benign (4). Last evaluated 2025-10-13.

Conditions:
Ehlers-Danlos syndrome, classic type, 1 (EDSCL1). Also called: EHLERS-DANLOS SYNDROME, GRAVIS TYPE; EHLERS-DANLOS SYNDROME, SEVERE CLASSIC TYPE; Ehlers-Danlos Syndrome, Classic Type, COL5A1-Related; EDS I; Ehlers-Danlos syndrome, type 1. Identifiers: MedGen C0268335, MONDO:0019567, OMIM 130000.
Familial thoracic aortic aneurysm and aortic dissection (TAAD). Also called: Thoracic aortic aneurysms and dissections. Identifiers: Orphanet 91387, MedGen C4707243, MONDO:0019625.

Allele frequency attached by ClinVar (database versions not stated): TOPMed 0.00001.

Submissions (4):

Women's Health and Genetics/Laboratory Corporation of America, LabCorp
Classification: Likely benign. Last evaluated: 2025-10-13. Review status: criteria provided, single submitter. Criteria: LabCorp Variant Classification Summary - May 2015. Collection method: clinical testing. Allele origin: germline.

Labcorp Genetics (formerly Invitae), Labcorp
Classification: Likely benign for Ehlers-Danlos syndrome, classic type, 1. Last evaluated: 2024-02-20. Review status: criteria provided, single submitter. Criteria: Invitae Variant Classification Sherloc (09022015). Collection method: clinical testing. Allele origin: germline.

Ambry Genetics
Classification: Likely benign for Familial thoracic aortic aneurysm and aortic dissection. Last evaluated: 2016-09-29. Review status: criteria provided, single submitter. Criteria: Ambry Variant Classification Scheme 2023. Collection method: clinical testing. Allele origin: germline.

GeneDx
Classification: Likely benign. Last evaluated: 2016-02-17. Review status: criteria provided, single submitter. Criteria: GeneDx Variant Classification (06012015). Collection method: clinical testing. Allele origin: germline. Affected: yes.
Comment: This variant is considered likely benign or benign based on one or more of the following criteria: it is a conservative change, it occurs at a poorly conserved position in the protein, it is predicted to be benign by multiple in silico algorithms, and/or has population frequency not consistent with disease.